The following is an entry in ClinVar:

ClinVar aggregate classification (germline): Pathogenic (1 of 4 stars; one submission).

Conditions:
Aicardi-Goutieres syndrome 5. Identifiers: Orphanet 51, MedGen C2749659, MONDO:0013059, OMIM 612952.

Submission:

Labcorp Genetics (formerly Invitae), Labcorp
Classification: Pathogenic for Aicardi-Goutieres syndrome 5. Last evaluated: 2022-02-28. Review status: criteria provided, single submitter. Criteria: Invitae Variant Classification Sherloc (09022015). Collection method: clinical testing. Allele origin: germline.
Comment: This variant is a gross deletion of the genomic region encompassing exon(s) 4-9 of the SAMHD1 gene. This variant would be expected to be in-frame, preserving the integrity of the reading frame. This variant has not been reported in the literature in individuals affected with SAMHD1-related conditions. This variant disrupts a region of the SAMHD1 protein in which other variant(s) (p.Ile201Asn) have been determined to be pathogenic (PMID: 19525956, 20653736, 27604406). This suggests that this is a clinically significant region of the protein, and that variants that disrupt it are likely to be disease-causing. For these reasons, this variant has been classified as Pathogenic.

Literature cited by the submitters: PubMed 19525956; PubMed 20653736; PubMed 27604406.

NC_000020.10:g.(?_35545115)_(35563602_?)del

Gene: SAMHD1 (SAM and HD domain containing deoxynucleoside triphosphate triphosphohydrolase 1; minus strand). Cytogenetic location: 20q11.23.
Variant type: Deletion.
Identifiers: ClinVar variation 2426160 (VCV002426160.4).